The following is an entry in ClinVar:

NM_014000.3(VCL):c.2455G>A (p.Asp819Asn)

Gene: VCL (vinculin; plus strand). Cytogenetic location: 10q22.2.
Variant type: single nucleotide variant.
Coding change: c.2455G>A on transcript NM_014000.3 (MANE Select); coding-DNA position 2455, G replaced by A.
Protein change: p.Asp819Asn; replaces aspartic acid 819 with asparagine.
Molecular consequence: missense variant.
Genome position (GRCh38, 1-based): chr10:74,107,250, G>A. VCF-style: chr10-74107250-G-A. GRCh37 (hg19) VCF-style: chr10-75867008-G-A.
Other names: c.2455G>A, p.Asp819Asn (NM_003373.4); short protein forms D819N.
Identifiers: ClinVar variation 1791542 (VCV001791542.8), dbSNP rs1245049090, ClinGen allele CA377263563.

ClinVar aggregate classification (germline): Uncertain significance. Review status: criteria provided, multiple submitters, no conflicts (2 of 4 stars). 3 submissions from 3 submitters: Uncertain significance (3). Last evaluated 2023-11-24.

Conditions:
Cardiovascular phenotype. Identifiers: MedGen CN230736.
Dilated cardiomyopathy 1W (CMD1W). Identifiers: Orphanet 154, MedGen C1969639, MONDO:0012667, OMIM 611407.

Allele frequency attached by ClinVar (database versions not stated): TOPMed below 0.00001; gnomAD 0.00001; gnomAD exomes 0.00001.
gnomAD v4.1: 20 of 1,614,080 alleles (0.0012%); highest among the groups gnomAD compares: Non-Finnish European, 0.0017%; no homozygotes.

Submissions (3):

Labcorp Genetics (formerly Invitae), Labcorp
Classification: Uncertain significance for Dilated cardiomyopathy 1W. Last evaluated: 2023-11-24. Review status: criteria provided, single submitter. Criteria: Invitae Variant Classification Sherloc (09022015). Collection method: clinical testing. Allele origin: germline.
Comment: This sequence change replaces aspartic acid, which is acidic and polar, with asparagine, which is neutral and polar, at codon 819 of the VCL protein (p.Asp819Asn). This variant is present in population databases (no rsID available, gnomAD 0.0009%). This variant has not been reported in the literature in individuals affected with VCL-related conditions. ClinVar contains an entry for this variant (Variation ID: 1791542). An algorithm developed to predict the effect of missense changes on protein structure and function (PolyPhen-2) suggests that this variant is likely to be disruptive. In summary, the available evidence is currently insufficient to determine the role of this variant in disease. Therefore, it has been classified as a Variant of Uncertain Significance.

Women's Health and Genetics/Laboratory Corporation of America, LabCorp
Classification: Uncertain significance. Last evaluated: 2023-01-30. Review status: criteria provided, single submitter. Criteria: LabCorp Variant Classification Summary - May 2015. Collection method: clinical testing. Allele origin: germline.
Comment: Variant summary: VCL c.2455G>A (p.Asp819Asn) results in a conservative amino acid change in the encoded protein sequence. Three of five in-silico tools predict a benign effect of the variant on protein function. The variant allele was found at a frequency of 4e-06 in 251470 control chromosomes. The available data on variant occurrences in the general population are insufficient to allow any conclusion about variant significance. To our knowledge, no occurrence of c.2455G>A in individuals affected with Cardiomyopathy and no experimental evidence demonstrating its impact on protein function have been reported. A co-occurrence with a pathogenic variant has been reported (MYBPC3 c.2374T>C, p.W792R; internal testing), providing supporting evidence for a benign role. One clinical diagnostic laboratory has submitted clinical-significance assessments for this variant to ClinVar after 2014 and classified the variant as uncertain significance. Based on the evidence outlined above, the variant was classified as uncertain significance.

Ambry Genetics
Classification: Uncertain significance for Cardiovascular phenotype. Last evaluated: 2021-09-07. Review status: criteria provided, single submitter. Criteria: Ambry Variant Classification Scheme 2023. Collection method: clinical testing. Allele origin: germline.
Comment: The p.D819N variant (also known as c.2455G>A), located in coding exon 17 of the VCL gene, results from a G to A substitution at nucleotide position 2455. The aspartic acid at codon 819 is replaced by asparagine, an amino acid with highly similar properties. This amino acid position is conserved. In addition, this alteration is predicted to be tolerated by in silico analysis. Since supporting evidence is limited at this time, the clinical significance of this alteration remains unclear.